The following is an entry in ClinVar:

ClinVar aggregate classification (germline): Uncertain significance (1 of 4 stars; one submission).

Conditions:
Hereditary cancer-predisposing syndrome. Also called: Tumor predisposition; Hereditary neoplastic syndrome; Hereditary Cancer Syndrome; Neoplastic Syndromes, Hereditary. Identifiers: Orphanet 140162, MedGen C0027672, MeSH D009386, MONDO:0015356.

Submission:

Ambry Genetics
Classification: Uncertain significance for Hereditary cancer-predisposing syndrome. Last evaluated: 2026-06-01. Review status: criteria provided, single submitter. Criteria: Ambry Variant Classification Scheme 2023. Collection method: clinical testing. Allele origin: germline.
Comment: The p.Q2305P variant (also known as c.6914A>C), located in coding exon 46 of the ATM gene, results from an A to C substitution at nucleotide position 6914. The glutamine at codon 2305 is replaced by proline, an amino acid with similar properties. In an assay testing ATM function, this variant showed a functionally normal result (Lee KS et al. Cell, 2025 Sep;188:5081-5099.e27). This amino acid position is well conserved in available vertebrate species. In addition, the in silico prediction for this alteration is inconclusive. Based on the available evidence, the clinical significance of this variant remains unclear.

Literature cited by the submitters: PubMed 40580951.

NM_000051.4(ATM):c.6914A>C (p.Gln2305Pro)

Genes: ATM (ATM serine/threonine kinase; plus strand), C11orf65 (chromosome 11 open reading frame 65; minus strand). Cytogenetic location: 11q22.3.
Variant type: single nucleotide variant.
Coding change: c.6914A>C on transcript NM_000051.4 (MANE Select); coding-DNA position 6914, A replaced by C.
Protein change: p.Gln2305Pro; replaces glutamine 2305 with proline.
Molecular consequence: missense variant. On other transcripts: intron variant (2).
Genome position (GRCh38, 1-based): chr11:108,326,164, A>C. VCF-style: chr11-108326164-A-C. GRCh37 (hg19) VCF-style: chr11-108196891-A-C.
Other names: c.6914A>C, p.Gln2305Pro (NM_001351834.2); c.641-17093T>G (NM_001330368.2); c.*38+9056T>G (NM_001351110.2); short protein forms Q2305P.
Identifiers: ClinVar variation 4867093 (VCV004867093.1).